The following is an entry in ClinVar:

NM_001267550.2(TTN):c.107161T>C (p.Phe35721Leu)

Genes: TTN-AS1 (TTN antisense RNA 1; plus strand), TTN (titin; minus strand). Cytogenetic location: 2q31.2.
Variant type: single nucleotide variant.
Coding change: c.107161T>C on transcript NM_001267550.2 (MANE Select); coding-DNA position 107161, T replaced by C.
Protein change: p.Phe35721Leu; replaces phenylalanine 35721 with leucine.
Molecular consequence: missense variant.
Genome position (GRCh38, 1-based): chr2:178,528,590, A>G on the plus strand (T>C on the coding strand, the complement: TTN is on the minus strand). VCF-style: chr2-178528590-A-G. GRCh37 (hg19) VCF-style: chr2-179393317-A-G.
Other names: p.F34080L:TTT>CTT; c.102238T>C, p.Phe34080Leu (NM_001256850.1); c.79966T>C, p.Phe26656Leu (NM_003319.4); c.99457T>C, p.Phe33153Leu (NM_133378.4); c.80341T>C, p.Phe26781Leu (NM_133432.3); c.80542T>C, p.Phe26848Leu (NM_133437.4); short protein forms F34080L, F35721L, F26656L, F26781L, F33153L, F26848L.
Identifiers: ClinVar variation 202341 (VCV000202341.3), dbSNP rs794729251, ClinGen allele CA309141.

ClinVar aggregate classification (germline): Likely benign (1 of 4 stars; one submission).

Submission:

GeneDx
Classification: Likely benign. Last evaluated: 2012-11-30. Review status: criteria provided, single submitter. Criteria: GeneDx Variant Classification (06012015). Collection method: clinical testing. Allele origin: germline. Affected: yes.
Comment: This variant is considered likely benign or benign based on one or more of the following criteria: it is a conservative change, it occurs at a poorly conserved position in the protein, it is predicted to be benign by multiple in silico algorithms, and/or has population frequency not consistent with disease.